The following is an entry in ClinVar:

ClinVar aggregate classification (germline): Uncertain significance. Review status: criteria provided, multiple submitters, no conflicts (2 of 4 stars). 2 submissions from 2 submitters: Uncertain significance (2). Last evaluated 2026-04-30.

Conditions:
Ataxia-telangiectasia syndrome (AT). Also called: Ataxia-telangiectasia, complementation group D; AT, COMPLEMENTATION GROUP C; ATAXIA-TELANGIECTASIA, COMPLEMENTATION GROUP A; ATAXIA-TELANGIECTASIA, FRESNO VARIANT; Ataxia-telangiectasia; Ataxia-telangiectasia, complementation group E. Identifiers: Orphanet 100, MedGen C0004135, MONDO:0008840, OMIM 208900.
Hereditary cancer-predisposing syndrome. Also called: Neoplastic Syndromes, Hereditary; Tumor predisposition; Hereditary Cancer Syndrome; Hereditary neoplastic syndrome. Identifiers: Orphanet 140162, MedGen C0027672, MeSH D009386, MONDO:0015356.

Submissions (2):

Ambry Genetics
Classification: Uncertain significance for Hereditary cancer-predisposing syndrome. Last evaluated: 2026-04-30. Review status: criteria provided, single submitter. Criteria: Ambry Variant Classification Scheme 2023. Collection method: clinical testing. Allele origin: germline.
Comment: The p.L2490R variant (also known as c.7469T>G), located in coding exon 49 of the ATM gene, results from a T to G substitution at nucleotide position 7469. The leucine at codon 2490 is replaced by arginine, an amino acid with dissimilar properties. In an assay testing ATM function, this variant showed a functionally abnormal result (Lee KS et al. Cell, 2025 Sep;188:5081-5099.e27). This amino acid position is highly conserved in available vertebrate species. In addition, this alteration is predicted to be deleterious by in silico analysis. Based on the available evidence, the clinical significance of this variant remains unclear.

Labcorp Genetics (formerly Invitae), Labcorp
Classification: Uncertain significance for Ataxia-telangiectasia syndrome. Last evaluated: 2024-02-22. Review status: criteria provided, single submitter. Criteria: Invitae Variant Classification Sherloc (09022015). Collection method: clinical testing. Allele origin: germline.
Comment: This sequence change replaces leucine, which is neutral and non-polar, with arginine, which is basic and polar, at codon 2490 of the ATM protein (p.Leu2490Arg). This variant is not present in population databases (gnomAD no frequency). This variant has not been reported in the literature in individuals affected with ATM-related conditions. An algorithm developed to predict the effect of missense changes on protein structure and function (PolyPhen-2) suggests that this variant is likely to be disruptive. In summary, the available evidence is currently insufficient to determine the role of this variant in disease. Therefore, it has been classified as a Variant of Uncertain Significance.

Literature cited by the submitters: PubMed 40580951 (cited by Ambry Genetics).

NM_000051.4(ATM):c.7469T>G (p.Leu2490Arg)

Genes: ATM (ATM serine/threonine kinase; plus strand), C11orf65 (chromosome 11 open reading frame 65; minus strand). Cytogenetic location: 11q22.3.
Variant type: single nucleotide variant.
Coding change: c.7469T>G on transcript NM_000051.4 (MANE Select); coding-DNA position 7469, T replaced by G.
Protein change: p.Leu2490Arg; replaces leucine 2490 with arginine.
Molecular consequence: missense variant. On other transcripts: intron variant (2).
Genome position (GRCh38, 1-based): chr11:108,330,375, T>G. VCF-style: chr11-108330375-T-G. GRCh37 (hg19) VCF-style: chr11-108201102-T-G.
Other names: c.7469T>G, p.Leu2490Arg (NM_001351834.2); c.641-21304A>C (NM_001330368.2); c.*38+4845A>C (NM_001351110.2); short protein forms L2490R.
Identifiers: ClinVar variation 3642692 (VCV003642692.2).